The following is an entry in ClinVar:

ClinVar aggregate classification (germline): Uncertain significance (1 of 4 stars; one submission).

Conditions:
Encephalopathy, acute, infection-induced (herpes-specific), susceptibility to, 6. Also called: Herpes simplex encephalitis, susceptibility to, 4. Identifiers: Orphanet 1930, MedGen C3553869, MONDO:0013921, OMIM 614850.

Allele frequency attached by ClinVar (database versions not stated): gnomAD 0.00001 and 0.00002; 1000 Genomes Project 0.00040; TOPMed 0.00001; gnomAD exomes below 0.00001; 1000 Genomes Project 30x 0.00031.

Submission:

Labcorp Genetics (formerly Invitae), Labcorp
Classification: Uncertain significance for Encephalopathy, acute, infection-induced (herpes-specific), susceptibility to, 6. Last evaluated: 2018-05-23. Review status: criteria provided, single submitter. Criteria: Invitae Variant Classification Sherloc (09022015). Collection method: clinical testing. Allele origin: germline.
Comment: In summary, the available evidence is currently insufficient to determine the role of this variant in disease. Therefore, it has been classified as a Variant of Uncertain Significance. Algorithms developed to predict the effect of missense changes on protein structure and function are either unavailable or do not agree on the potential impact of this missense change (SIFT: "Tolerated"; PolyPhen-2: "Probably Damaging"; Align-GVGD: "Class C0"). This variant has not been reported in the literature in individuals with TICAM1-related disease. This variant is present in population databases (rs536690750, ExAC 0.03%). This sequence change replaces proline with leucine at codon 674 of the TICAM1 protein (p.Pro674Leu). The proline residue is moderately conserved and there is a moderate physicochemical difference between proline and leucine.

NM_182919.4(TICAM1):c.2021C>T (p.Pro674Leu)

Gene: TICAM1 (TIR domain containing adaptor molecule 1; minus strand). Cytogenetic location: 19p13.3.
Variant type: single nucleotide variant.
Coding change: c.2021C>T on transcript NM_182919.4 (MANE Select); coding-DNA position 2021, C replaced by T.
Protein change: p.Pro674Leu; replaces proline 674 with leucine.
Molecular consequence: missense variant.
Genome position (GRCh38, 1-based): chr19:4,816,357, G>A on the plus strand (C>T on the coding strand, the complement: TICAM1 is on the minus strand). VCF-style: chr19-4816357-G-A. GRCh37 (hg19) VCF-style: chr19-4816369-G-A.
Other names: c.1979C>T, p.Pro660Leu (NM_001385678.1); c.1886C>T, p.Pro629Leu (NM_001385679.1); c.1379C>T, p.Pro460Leu (NM_001385680.1); short protein forms P460L, P629L, P660L, P674L.
Identifiers: ClinVar variation 1009279 (VCV001009279.9), dbSNP rs536690750, ClinGen allele CA9105009.